The following is an entry in ClinVar:

ClinVar aggregate classification (germline): Likely pathogenic (1 of 4 stars; one submission).

Conditions:
Propionic acidemia (PROP). Also called: GLYCINEMIA, KETOTIC; HYPERGLYCINEMIA WITH KETOACIDOSIS AND LEUKOPENIA; KETOTIC HYPERGLYCINEMIA. Identifiers: Orphanet 35, MedGen C0268579, MONDO:0011628, OMIM 606054, HP:0003571.

Submission:

Labcorp Genetics (formerly Invitae), Labcorp
Classification: Likely pathogenic for Propionic acidemia. Last evaluated: 2023-06-14. Review status: criteria provided, single submitter. Criteria: Invitae Variant Classification Sherloc (09022015). Collection method: clinical testing. Allele origin: germline.
Comment: This sequence change affects an acceptor splice site in intron 2 of the PCCB gene. It is expected to disrupt RNA splicing. Variants that disrupt the donor or acceptor splice site typically lead to a loss of protein function (PMID: 16199547), and loss-of-function variants in PCCB are known to be pathogenic (PMID: 15464417). This variant is not present in population databases (gnomAD no frequency). This variant has not been reported in the literature in individuals affected with PCCB-related conditions. Algorithms developed to predict the effect of sequence changes on RNA splicing suggest that this variant may disrupt the consensus splice site. In summary, the currently available evidence indicates that the variant is pathogenic, but additional data are needed to prove that conclusively. Therefore, this variant has been classified as Likely Pathogenic.

Literature cited by the submitters: PubMed 16199547; PubMed 15464417.

NM_000532.5(PCCB):c.304-2A>G

Gene: PCCB (propionyl-CoA carboxylase subunit beta; plus strand). Cytogenetic location: 3q22.3.
Variant type: single nucleotide variant.
Coding change: c.304-2A>G on transcript NM_000532.5 (MANE Select); the canonical splice acceptor site of the intron before coding-DNA position 304, A replaced by G.
Molecular consequence: splice acceptor variant.
Genome position (GRCh38, 1-based): chr3:136,256,553, A>G. VCF-style: chr3-136256553-A-G. GRCh37 (hg19) VCF-style: chr3-135975395-A-G.
Other names: c.304-2A>G (NM_001178014.2).
Identifiers: ClinVar variation 2966637 (VCV002966637.3), dbSNP rs2529750335, ClinGen allele CA354738632.